The following is an entry in ClinVar:

ClinVar aggregate classification (germline): Pathogenic/Likely pathogenic. Review status: criteria provided, multiple submitters, no conflicts (2 of 4 stars). 4 submissions from 4 submitters: Pathogenic (2); Likely pathogenic (1). 1 of the submissions does not count toward it. Last evaluated 2021-12-17.

Conditions:
DES-related disorders.
Desmin-related myofibrillar myopathy (MFM1). Also called: Desminopathy; MYOFIBRILLAR MYOPATHY WITH ARRHYTHMOGENIC RIGHT VENTRICULAR CARDIOMYOPATHY; DESMIN-RELATED MYOPATHY WITH ARRHYTHMOGENIC RIGHT VENTRICULAR CARDIOMYOPATHY; Myofibrillar myopathy 1; Desmin related myopathy (former name); Desmin storage myopathy (former name). Identifiers: Orphanet 363543, Orphanet 98909, MedGen C1832370, MONDO:0011076, OMIM 601419.

Submissions (4):

Labcorp Genetics (formerly Invitae), Labcorp
Classification: Likely pathogenic for Desmin-related myofibrillar myopathy. Last evaluated: 2021-12-17. Review status: criteria provided, single submitter. Criteria: Invitae Variant Classification Sherloc (09022015). Collection method: clinical testing. Allele origin: germline.
Comment: In summary, the currently available evidence indicates that the variant is pathogenic, but additional data are needed to prove that conclusively. Therefore, this variant has been classified as Likely Pathogenic. Experimental studies have shown that this missense change affects DES function (PMID: 16890305, 17221859, 20448486, 21262226, 23425003, 26789769). Algorithms developed to predict the effect of missense changes on protein structure and function are either unavailable or do not agree on the potential impact of this missense change (SIFT: "Tolerated"; PolyPhen-2: "Probably Damaging"; Align-GVGD: "Class C15"). ClinVar contains an entry for this variant (Variation ID: 66398). This missense change has been observed in individuals with clinical features of autosomal dominant DES-related conditions (PMID: 16890305; Invitae). This variant is not present in population databases (gnomAD no frequency). This sequence change replaces glutamic acid, which is acidic and polar, with lysine, which is basic and polar, at codon 413 of the DES protein (p.Glu413Lys).

GeneDx
Classification: Pathogenic. Last evaluated: 2019-09-19. Review status: criteria provided, single submitter. Criteria: GeneDx Variant Classification Process June 2021. Collection method: clinical testing. Allele origin: germline. Affected: yes.
Comment: Published functional studies demonstrate that E413K caused defects in filament formation and indicated that the cellular filamentous networking properties were impaired, and showed that dot-like aggregates were accumulated throughout the cytoplasm of muscle fibers (Pruszczyk et al., 2007; Bar et al., 2007; Levin et al., 2010; Chourbagi et al., 2011); Not observed in large population cohorts (Lek et al., 2016); In silico analysis, which includes protein predictors and evolutionary conservation, supports a deleterious effect; Reported in ClinVar as likely pathogenic (ClinVar Variant ID# 66398; Landrum et al., 2016); This variant is associated with the following publications: (PMID: 28269794, 19587455, 21262226, 20448486, 16890305, 17221859, 23425003, 26789769)

Blueprint Genetics
Classification: Pathogenic for DES-related disorders. Last evaluated: 2018-04-16. Review status: criteria provided, single submitter. Criteria: ACMG Guidelines, 2015. Collection method: clinical testing. Allele origin: germline. Affected: yes. Observed: 1 variant allele.

Epithelial Biology;  Institute of Medical Biology, Singapore
No classification provided. Review status: no classification provided. Collection method: not provided. Allele origin: not provided. Not counted in ClinVar's aggregate classification.

Literature cited by the submitters: PubMed 16890305 (cited by Labcorp Genetics (formerly Invitae), Labcorp); PubMed 17221859 (cited by Labcorp Genetics (formerly Invitae), Labcorp); PubMed 20448486 (cited by Labcorp Genetics (formerly Invitae), Labcorp); PubMed 21262226 (cited by Labcorp Genetics (formerly Invitae), Labcorp); PubMed 23425003 (cited by Labcorp Genetics (formerly Invitae), Labcorp); PubMed 26789769 (cited by Labcorp Genetics (formerly Invitae), Labcorp).

NM_001927.4(DES):c.1237G>A (p.Glu413Lys)

Gene: DES (desmin; plus strand). Cytogenetic location: 2q35.
Variant type: single nucleotide variant.
Coding change: c.1237G>A on transcript NM_001927.4 (MANE Select); coding-DNA position 1237, G replaced by A.
Protein change: p.Glu413Lys; replaces glutamic acid 413 with lysine.
Molecular consequence: missense variant.
Genome position (GRCh38, 1-based): chr2:219,421,553, G>A. VCF-style: chr2-219421553-G-A. GRCh37 (hg19) VCF-style: chr2-220286275-G-A.
Other names: p.E413K:GAG>AAG; c.1237G>A (LRG_380t1); short protein forms E413K.
Identifiers: ClinVar variation 66398 (VCV000066398.12), dbSNP rs61726467, ClinGen allele CA284673.